The following is an entry in ClinVar:

ClinVar aggregate classification (germline): Uncertain significance. Review status: criteria provided, multiple submitters, no conflicts (2 of 4 stars). 2 submissions from 2 submitters: Uncertain significance (2). Last evaluated 2025-08-05.

Conditions:
Inborn genetic diseases. Identifiers: MedGen C0950123, MeSH D030342.

Allele frequency attached by ClinVar (database versions not stated): gnomAD 0.00001; TOPMed 0.00002.
gnomAD v4.1: 45 of 1,614,002 alleles (0.0028%); highest among the groups gnomAD compares: Middle Eastern, 0.033%; no homozygotes.

Submissions (2):

Ambry Genetics
Classification: Uncertain significance for Inborn genetic diseases. Last evaluated: 2025-08-05. Review status: criteria provided, single submitter. Criteria: Ambry Variant Classification Scheme 2023. Collection method: clinical testing. Allele origin: germline.

Labcorp Genetics (formerly Invitae), Labcorp
Classification: Uncertain significance. Last evaluated: 2021-12-22. Review status: criteria provided, single submitter. Criteria: Invitae Variant Classification Sherloc (09022015). Collection method: clinical testing. Allele origin: germline.
Comment: This sequence change replaces serine, which is neutral and polar, with proline, which is neutral and non-polar, at codon 3058 of the MYO15A protein (p.Ser3058Pro). This variant is present in population databases (no rsID available, gnomAD 0.004%). This variant has not been reported in the literature in individuals affected with MYO15A-related conditions. Algorithms developed to predict the effect of missense changes on protein structure and function are either unavailable or do not agree on the potential impact of this missense change (SIFT: "Deleterious"; PolyPhen-2: "Not Available"; Align-GVGD: "Class C65"). In summary, the available evidence is currently insufficient to determine the role of this variant in disease. Therefore, it has been classified as a Variant of Uncertain Significance.

NM_016239.4(MYO15A):c.9172T>C (p.Ser3058Pro)

Gene: MYO15A (myosin XVA; plus strand). Cytogenetic location: 17p11.2.
Variant type: single nucleotide variant.
Coding change: c.9172T>C on transcript NM_016239.4 (MANE Select); coding-DNA position 9172, T replaced by C.
Protein change: p.Ser3058Pro; replaces serine 3058 with proline.
Molecular consequence: missense variant.
Genome position (GRCh38, 1-based): chr17:18,159,290, T>C. VCF-style: chr17-18159290-T-C. GRCh37 (hg19) VCF-style: chr17-18062604-T-C.
Other names: c.9172T>C (NM_016239.3); short protein forms S3058P.
Identifiers: ClinVar variation 1932392 (VCV001932392.3), dbSNP rs1440995834, ClinGen allele CA398633703.